The following is an entry in ClinVar:

NM_001128840.3(CACNA1D):c.1379G>A (p.Gly460Asp)

Gene: CACNA1D (calcium voltage-gated channel subunit alpha1 D; plus strand). Cytogenetic location: 3p21.1.
Variant type: single nucleotide variant.
Coding change: c.1379G>A on transcript NM_001128840.3 (MANE Select); coding-DNA position 1379, G replaced by A.
Protein change: p.Gly460Asp; replaces glycine 460 with aspartic acid.
Molecular consequence: missense variant.
Genome position (GRCh38, 1-based): chr3:53,702,799, G>A. VCF-style: chr3-53702799-G-A. GRCh37 (hg19) VCF-style: chr3-53736826-G-A.
Other names: c.1379G>A (NM_000720.3); c.1379G>A, p.Gly460Asp (NM_000720.4, NM_001128839.3); short protein forms G460D.
Identifiers: ClinVar variation 1397346 (VCV001397346.10), dbSNP rs367786816, ClinGen allele CA2453900.

ClinVar aggregate classification (germline): Uncertain significance. Review status: criteria provided, multiple submitters, no conflicts (2 of 4 stars). 3 submissions from 3 submitters: Uncertain significance (3). Last evaluated 2025-12-14.

Conditions:
CACNA1D-related disorder.

Allele frequency attached by ClinVar (database versions not stated): ESP Exome Variant Server 0.00008; gnomAD exomes 0.00005 and 0.00006; ExAC 0.00006.
gnomAD v4.1: 87 of 1,614,072 alleles (0.0054%); highest among the groups gnomAD compares: Non-Finnish European, 0.0071%; no homozygotes.

Submissions (3):

Labcorp Genetics (formerly Invitae), Labcorp
Classification: Uncertain significance. Last evaluated: 2025-12-14. Review status: criteria provided, single submitter. Criteria: Invitae Variant Classification Sherloc (09022015). Collection method: clinical testing. Allele origin: germline.
Comment: This sequence change replaces glycine, which is neutral and non-polar, with aspartic acid, which is acidic and polar, at codon 460 of the CACNA1D protein (p.Gly460Asp). This variant is present in population databases (rs367786816, gnomAD 0.01%). This variant has not been reported in the literature in individuals affected with CACNA1D-related conditions. ClinVar contains an entry for this variant (Variation ID: 1397346). An algorithm developed to predict the effect of missense changes on protein structure and function (PolyPhen-2) suggests that this variant is likely to be tolerated. In summary, the available evidence is currently insufficient to determine the role of this variant in disease. Therefore, it has been classified as a Variant of Uncertain Significance.

PreventionGenetics, part of Exact Sciences
Classification: Uncertain significance for CACNA1D-related condition. Last evaluated: 2025-11-11. Review status: criteria provided, single submitter. Criteria: ACMG Guidelines, 2015. Collection method: clinical testing. Allele origin: germline.
Comment: The CACNA1D c.1379G>A variant is predicted to result in the amino acid substitution p.Gly460Asp. To our knowledge, this variant has not been reported in the literature. This variant is reported in 0.011% of alleles in individuals of European (Non-Finnish) descent in gnomAD. At this time, the clinical significance of this variant is uncertain due to the absence of conclusive functional and genetic evidence.

Blueprint Genetics
Classification: Uncertain significance. Last evaluated: 2024-10-24. Review status: criteria provided, single submitter. Criteria: ACMG Guidelines, 2015. Collection method: clinical testing. Allele origin: germline.